The following is an entry in ClinVar:

ClinVar aggregate classification (germline): Benign/Likely benign. Review status: criteria provided, multiple submitters, no conflicts (2 of 4 stars). 4 submissions from 4 submitters: Benign (1); Likely benign (3). Last evaluated 2026-02-01.

Conditions:
Cardiovascular phenotype. Identifiers: MedGen CN230736.

Allele frequency attached by ClinVar (database versions not stated): ExAC 0.00108.

Submissions (4):

Labcorp Genetics (formerly Invitae), Labcorp
Classification: Likely benign. Last evaluated: 2026-02-01. Review status: criteria provided, single submitter. Criteria: Invitae Variant Classification Sherloc (09022015). Collection method: clinical testing. Allele origin: germline.

Women's Health and Genetics/Laboratory Corporation of America, LabCorp
Classification: Likely benign. Last evaluated: 2025-07-29. Review status: criteria provided, single submitter. Criteria: LabCorp Variant Classification Summary - May 2015. Collection method: clinical testing. Allele origin: germline.

Mayo Clinic Laboratories, Mayo Clinic
Classification: Benign. Last evaluated: 2023-04-26. Review status: criteria provided, single submitter. Criteria: ACMG Guidelines, 2015. Collection method: clinical testing. Allele origin: germline. Observed: 8 variant alleles.
Comment: BS1, BS2, BP4, BP7

Ambry Genetics
Classification: Likely benign for Cardiovascular phenotype. Last evaluated: 2022-02-14. Review status: criteria provided, single submitter. Criteria: Ambry Variant Classification Scheme 2023. Collection method: clinical testing. Allele origin: germline.

NM_001365276.2(TNXB):c.7371T>C (p.Val2457=)

Gene: TNXB (tenascin XB; minus strand). Cytogenetic location: 6p21.33.
Variant type: single nucleotide variant.
Coding change: c.7371T>C on transcript NM_001365276.2 (MANE Select); coding-DNA position 7371, T replaced by C.
Protein change: p.Val2457=; no amino-acid change (valine 2457 retained).
Molecular consequence: synonymous variant.
Genome position (GRCh38, 1-based): chr6:32,061,518, A>G on the plus strand (T>C on the coding strand, the complement: TNXB is on the minus strand). VCF-style: chr6-32061518-A-G. GRCh37 (hg19) VCF-style: chr6-32029295-A-G.
Other names: p.Val2457=; c.7371T>C, p.Val2457= (NM_019105.8).
Identifiers: ClinVar variation 1758574 (VCV001758574.5), dbSNP rs187032664, ClinGen allele CA3734174.